The following is an entry in ClinVar:

NM_205834.4(LSR):c.1801G>A (p.Val601Ile)

Gene: LSR (lipolysis stimulated lipoprotein receptor; plus strand). Cytogenetic location: 19q13.12.
Variant type: single nucleotide variant.
Coding change: c.1801G>A on transcript NM_205834.4 (MANE Select); coding-DNA position 1801, G replaced by A.
Protein change: p.Val601Ile; replaces valine 601 with isoleucine.
Molecular consequence: missense variant.
Genome position (GRCh38, 1-based): chr19:35,267,854, G>A. VCF-style: chr19-35267854-G-A. GRCh37 (hg19) VCF-style: chr19-35758757-G-A.
Other names: c.1741G>A, p.Val581Ile (NM_001260489.2); c.1477G>A, p.Val493Ile (NM_001260490.2); c.1594G>A, p.Val532Ile (NM_001385215.1); c.1744G>A, p.Val582Ile (NM_015925.7); c.1597G>A, p.Val533Ile (NM_205835.4); short protein forms V533I, V601I, V581I, V582I, V493I, V532I.
Identifiers: ClinVar variation 4706687 (VCV004706687.1).

ClinVar aggregate classification (germline): Uncertain significance (1 of 4 stars; one submission).

gnomAD v4.1: 12 of 1,613,654 alleles (0.00074%); highest among the groups gnomAD compares: Non-Finnish European, 0.001%; no homozygotes.

Submission:

Labcorp Genetics (formerly Invitae), Labcorp
Classification: Uncertain significance. Last evaluated: 2025-06-03. Review status: criteria provided, single submitter. Criteria: Invitae Variant Classification Sherloc (09022015). Collection method: clinical testing. Allele origin: germline.
Comment: This sequence change replaces valine, which is neutral and non-polar, with isoleucine, which is neutral and non-polar, at codon 649 of the LSR protein (p.Val649Ile). This variant is present in population databases (rs145814439, gnomAD 0.004%). This variant has not been reported in the literature in individuals affected with LSR-related conditions. An algorithm developed to predict the effect of missense changes on protein structure and function (PolyPhen-2) suggests that this variant is likely to be disruptive. In summary, the available evidence is currently insufficient to determine the role of this variant in disease. Therefore, it has been classified as a Variant of Uncertain Significance.